The following is an entry in ClinVar:

NM_000334.4(SCN4A):c.844C>T (p.Arg282Cys)

Gene: SCN4A (sodium voltage-gated channel alpha subunit 4; minus strand). Cytogenetic location: 17q23.3.
Variant type: single nucleotide variant.
Coding change: c.844C>T on transcript NM_000334.4 (MANE Select); coding-DNA position 844, C replaced by T.
Protein change: p.Arg282Cys; replaces arginine 282 with cysteine.
Molecular consequence: missense variant.
Genome position (GRCh38, 1-based): chr17:63,968,215, G>A on the plus strand (C>T on the coding strand, the complement: SCN4A is on the minus strand). VCF-style: chr17-63968215-G-A. GRCh37 (hg19) VCF-style: chr17-62045575-G-A.
Other names: short protein forms R282C.
Identifiers: ClinVar variation 2191847 (VCV002191847.7), dbSNP rs1909513788, ClinGen allele CA400637577.
Genomic context (GRCh38, chr17:63,968,215, plus strand): 5'-CGTACCACGTGTCATTGCTGTACCACGTGGTGTTGGTGTCGTTGAACGGCGGGGGCCAGC[G>A]CACACACTTCTGCCTCAGGTTTCCCATGAAGAGCTGCAGTCCTACCAGCGCAAAGACGCT-3'
Protein context (NP_000325.4, residues 272-292): FMGNLRQKCV[Arg282Cys]WPPPFNDTNT

ClinVar aggregate classification (germline): Uncertain significance. Review status: criteria provided, multiple submitters, no conflicts (2 of 4 stars). 2 submissions from 2 submitters: Uncertain significance (2). Last evaluated 2021-12-06.

Conditions:
Hyperkalemic periodic paralysis. Also called: Familial hyperkalemic periodic paralysis; Gamstorp disease. Identifiers: Orphanet 682, MedGen C0238357, MONDO:0008224, OMIM 170500, HP:0007215.

Allele frequency attached by ClinVar (database versions not stated): gnomAD exomes 0.00001.

Submissions (2):

Labcorp Genetics (formerly Invitae), Labcorp
Classification: Uncertain significance for Hyperkalemic periodic paralysis. Last evaluated: 2021-12-06. Review status: criteria provided, single submitter. Criteria: Invitae Variant Classification Sherloc (09022015). Collection method: clinical testing. Allele origin: germline.
Comment: This sequence change replaces arginine, which is basic and polar, with cysteine, which is neutral and slightly polar, at codon 282 of the SCN4A protein (p.Arg282Cys). This variant is not present in population databases (gnomAD no frequency). This variant has not been reported in the literature in individuals affected with SCN4A-related conditions. Algorithms developed to predict the effect of missense changes on protein structure and function (SIFT, PolyPhen-2, Align-GVGD) all suggest that this variant is likely to be disruptive. In summary, the available evidence is currently insufficient to determine the role of this variant in disease. Therefore, it has been classified as a Variant of Uncertain Significance.

Revvity Omics, Revvity
Classification: Uncertain significance. Last evaluated: 2020-02-25. Review status: criteria provided, single submitter. Criteria: ACMG Guidelines, 2015. Collection method: clinical testing. Allele origin: germline.